The following is an entry in ClinVar:

NM_001927.4(DES):c.1109T>C (p.Leu370Pro)

Gene: DES (desmin; plus strand). Cytogenetic location: 2q35.
Variant type: single nucleotide variant.
Coding change: c.1109T>C on transcript NM_001927.4 (MANE Select); coding-DNA position 1109, T replaced by C.
Protein change: p.Leu370Pro; replaces leucine 370 with proline.
Molecular consequence: missense variant.
Genome position (GRCh38, 1-based): chr2:219,421,425, T>C. VCF-style: chr2-219421425-T-C. GRCh37 (hg19) VCF-style: chr2-220286147-T-C.
Other names: c.1109T>C (LRG_380t1); short protein forms L370P.
Identifiers: ClinVar variation 66393 (VCV000066393.15), dbSNP rs59308628, ClinGen allele CA217018.

ClinVar aggregate classification (germline): Pathogenic. Review status: criteria provided, multiple submitters, no conflicts (2 of 4 stars). 4 submissions from 4 submitters: Pathogenic (3). 1 of the submissions does not count toward it. Last evaluated 2024-11-24.

Conditions:
Desmin-related myofibrillar myopathy (MFM1). Also called: Desminopathy; Desmin related myopathy (former name); Desmin storage myopathy (former name); MYOFIBRILLAR MYOPATHY WITH ARRHYTHMOGENIC RIGHT VENTRICULAR CARDIOMYOPATHY; DESMIN-RELATED MYOPATHY WITH ARRHYTHMOGENIC RIGHT VENTRICULAR CARDIOMYOPATHY; Myofibrillar myopathy 1. Identifiers: Orphanet 363543, Orphanet 98909, MedGen C1832370, MONDO:0011076, OMIM 601419.

Submissions (4):

Labcorp Genetics (formerly Invitae), Labcorp
Classification: Pathogenic for Desmin-related myofibrillar myopathy. Last evaluated: 2024-11-24. Review status: criteria provided, single submitter. Criteria: Invitae Variant Classification Sherloc (09022015). Collection method: clinical testing. Allele origin: germline.
Comment: This sequence change replaces leucine, which is neutral and non-polar, with proline, which is neutral and non-polar, at codon 370 of the DES protein (p.Leu370Pro). This variant is not present in population databases (gnomAD no frequency). This missense change has been observed in individuals with clinical features of myopathy and clinical features of autosomal dominant desminopathy (PMID: 12766977, 16806931; internal data). It has also been observed to segregate with disease in related individuals. ClinVar contains an entry for this variant (Variation ID: 66393). Invitae Evidence Modeling of protein sequence and biophysical properties (such as structural, functional, and spatial information, amino acid conservation, physicochemical variation, residue mobility, and thermodynamic stability) indicates that this missense variant is expected to disrupt DES protein function with a positive predictive value of 95%. Experimental studies have shown that this missense change affects DES function (PMID: 12766977, 21262226, 23143191). For these reasons, this variant has been classified as Pathogenic.

Athena Diagnostics
Classification: Pathogenic. Last evaluated: 2021-12-14. Review status: criteria provided, single submitter. Criteria: Athena Diagnostics Criteria. Collection method: clinical testing. Allele origin: unknown.
Comment: This variant has not been reported in large, multi-ethnic general populations. This variant appears to segregate with disease in at least one family. Assessment of experimental evidence suggests this variant results in abnormal protein function. This variant caused protein aggregation that resulted in the inability to form proper filaments in cells and affected mitochondrial morphology (PMID: 21262226, 12766977, 32105824).

Eurofins Ntd Llc (ga)
Classification: Pathogenic. Last evaluated: 2016-05-22. Review status: criteria provided, single submitter. Criteria: EGL Classification Definitions 2015. Collection method: clinical testing. Allele origin: germline. Observed: 1 variant allele, 1 heterozygote.

Epithelial Biology;  Institute of Medical Biology, Singapore
No classification provided. Review status: no classification provided. Collection method: not provided. Allele origin: not provided. Not counted in ClinVar's aggregate classification.

Literature cited by the submitters: PubMed 12766977 (cited by Labcorp Genetics (formerly Invitae), Labcorp and Athena Diagnostics); PubMed 16806931 (cited by Labcorp Genetics (formerly Invitae), Labcorp and Athena Diagnostics); PubMed 21262226 (cited by Labcorp Genetics (formerly Invitae), Labcorp and Athena Diagnostics); PubMed 23143191 (cited by Labcorp Genetics (formerly Invitae), Labcorp and Athena Diagnostics); PubMed 21676617 (cited by Athena Diagnostics); PubMed 32105824 (cited by Athena Diagnostics); PubMed 21135508 (cited by Athena Diagnostics); PubMed 23051780 (cited by Athena Diagnostics); PubMed 25171807 (cited by Athena Diagnostics); PubMed 34315782 (cited by Athena Diagnostics).